The following is an entry in ClinVar:

ClinVar aggregate classification (germline): Pathogenic. Review status: reviewed by expert panel (3 of 4 stars). 2 submissions from 2 submitters: Pathogenic (1). 1 of the submissions does not count toward it. Last evaluated 2016-09-08.

Conditions:
Hereditary cancer-predisposing syndrome. Also called: Hereditary Cancer Syndrome; Neoplastic Syndromes, Hereditary; Tumor predisposition; Hereditary neoplastic syndrome. Identifiers: Orphanet 140162, MedGen C0027672, MeSH D009386, MONDO:0015356.
Breast-ovarian cancer, familial, susceptibility to, 2 (BROVCA2). Also called: BRCA2 Hereditary Breast and Ovarian Cancer. Identifiers: Orphanet 145, MedGen C2675520, MONDO:0012933, OMIM 612555. Disease mechanism: loss of function.

Submissions (2):

Evidence-based Network for the Interpretation of Germline Mutant Alleles (ENIGMA)
Classification: Pathogenic for Breast-ovarian cancer, familial, susceptibility to, 2. Last evaluated: 2016-09-08. Review status: reviewed by expert panel. Criteria: ENIGMA BRCA1/2 Classification Criteria (2015). Collection method: curation. Allele origin: germline.
Comment: Variant allele predicted to encode a truncated non-functional protein.

Ambry Genetics
Classification: Pathogenic for Hereditary cancer-predisposing syndrome. Last evaluated: 2014-07-17. Review status: criteria provided, single submitter. Criteria: Ambry Variant Classification Scheme 2023. Collection method: clinical testing. Allele origin: germline. Not counted in ClinVar's aggregate classification.
Comment: The p.Q1416* pathogenic mutation (also known as c.4246C>T or 4474C>T), located in coding exon 10 of the BRCA2 gene, results from a C to T substitution at nucleotide position 4246. This changes the amino acid from a glutamine to a stop codon within coding exon 10. Since premature stop codons are typically deleterious in nature, this alteration is interpreted as a disease-causing mutation (ACMG Recommendations for Standards for Interpretation and Reporting of Sequence Variations. Revision 2007. Genet Med. 2008;10:294).

NM_000059.4(BRCA2):c.4246C>T (p.Gln1416Ter)

Gene: BRCA2 (BRCA2 DNA repair associated; plus strand). Cytogenetic location: 13q13.1.
Variant type: single nucleotide variant.
Coding change: c.4246C>T on transcript NM_000059.4 (MANE Select); coding-DNA position 4246, C replaced by T.
Protein change: p.Gln1416Ter; replaces glutamine 1416 with a stop codon.
Molecular consequence: nonsense.
Genome position (GRCh38, 1-based): chr13:32,338,601, C>T. VCF-style: chr13-32338601-C-T. GRCh37 (hg19) VCF-style: chr13-32912738-C-T.
Other names: short protein forms Q1416*.
Identifiers: ClinVar variation 185745 (VCV000185745.8), dbSNP rs786202421, ClinGen allele CA019781.
Genomic context (GRCh38, chr13:32,338,601, plus strand): 5'-CAAGAAGCATGTCATGGTAATACTTCAAATAAAGAACAGTTAACTGCTACTAAAACGGAG[C>T]AAAATATAAAAGATTTTGAGACTTCTGATACATTTTTTCAGACTGCAAGTGGGAAAAATA-3'